The following is an entry in ClinVar:

NM_001080.3(ALDH5A1):c.763A>G (p.Asn255Asp)

Gene: ALDH5A1 (aldehyde dehydrogenase 5 family member A1; plus strand). Cytogenetic location: 6p22.3.
Variant type: single nucleotide variant.
Coding change: c.763A>G on transcript NM_001080.3 (MANE Select); coding-DNA position 763, A replaced by G.
Protein change: p.Asn255Asp; replaces asparagine 255 with aspartic acid.
Molecular consequence: missense variant. On other transcripts: intron variant (1).
Genome position (GRCh38, 1-based): chr6:24,515,203, A>G. VCF-style: chr6-24515203-A-G. GRCh37 (hg19) VCF-style: chr6-24515431-A-G.
Other names: c.802A>G, p.Asn268Asp (NM_170740.1); c.727-5198A>G (NM_001368954.1); short protein forms N255D, N268D.
Identifiers: ClinVar variation 1878467 (VCV001878467.3), dbSNP rs2127385854, ClinGen allele CA362971605.
Genomic context (GRCh38, chr6:24,515,203, plus strand): 5'-CATGTTTGCTGTTTCTCTTTATAGCTTGCAAGCCAGGCTGGGATTCCTTCAGGTGTATAC[A>G]ATGTTATTCCCTGTTCTCGAAAGAATGCCAAGGAAGTAGGGGAGGCAATTTGTACTGATC-3'
Protein context (NP_001071.1, residues 245-265): SQAGIPSGVY[Asn255Asp]VIPCSRKNAK

ClinVar aggregate classification (germline): Pathogenic (1 of 4 stars; one submission).

Conditions:
Succinate-semialdehyde dehydrogenase deficiency (SSADHD). Also called: Succinic Semialdehyde Dehydrogenase Deficiency; SSADH DEFICIENCY; 4-HYDROXYBUTYRIC ACIDURIA; GABA METABOLIC DEFECT. Identifiers: Orphanet 22, MedGen C0268631, MONDO:0010083, OMIM 271980.

Allele frequency attached by ClinVar (database versions not stated): gnomAD exomes below 0.00001.
gnomAD v4.1: 1 of 1,611,076 alleles (0.000062%); highest among the groups gnomAD compares: Non-Finnish European, 0.000085%; no homozygotes.

Submission:

Elsea Laboratory, Baylor College of Medicine
Classification: Pathogenic for Succinate-semialdehyde dehydrogenase deficiency. Last evaluated: 2021-03-08. Review status: criteria provided, single submitter. Criteria: Martin et al. (J Child Neurol. 2021). Collection method: curation. Allele origin: germline. Affected: yes.
Comment: Located in NAD binding domain

Literature cited by the submitters: PubMed 32093054.